The following is an entry in ClinVar:

ClinVar aggregate classification (germline): Likely benign. Review status: criteria provided, multiple submitters, no conflicts (2 of 4 stars). 4 submissions from 4 submitters: Likely benign (4). Last evaluated 2026-07-01.

Conditions:
Inborn genetic diseases. Identifiers: MedGen C0950123, MeSH D030342.
Fanconi anemia (FA). Also called: Fanconi's anemia. Identifiers: Orphanet 84, MedGen C0015625, MeSH D005199, MONDO:0019391.

Allele frequency attached by ClinVar (database versions not stated): gnomAD 0.00001; ExAC 0.00002; gnomAD exomes 0.00002 and 0.00003; TOPMed 0.00002.
gnomAD v4.1: 13 of 1,614,056 alleles (0.00081%); highest among the groups gnomAD compares: Admixed American, 0.022%; no homozygotes.

Submissions (4):

CeGaT Center for Human Genetics Tuebingen
Classification: Likely benign. Last evaluated: 2026-07-01. Review status: criteria provided, single submitter. Criteria: CeGaT Center For Human Genetics Tuebingen Variant Classification Criteria Version 2. Collection method: clinical testing. Allele origin: germline. Affected: yes. Observed: 1 variant allele.
Comment: FANCM: BP4, BP7

Quest Diagnostics Nichols Institute San Juan Capistrano
Classification: Likely benign. Last evaluated: 2025-07-22. Review status: criteria provided, single submitter. Criteria: Quest Diagnostics criteria. Collection method: clinical testing. Allele origin: unknown.

Ambry Genetics
Classification: Likely benign for Inborn genetic diseases. Last evaluated: 2025-01-25. Review status: criteria provided, single submitter. Criteria: Ambry Variant Classification Scheme 2023. Collection method: clinical testing. Allele origin: germline.

Labcorp Genetics (formerly Invitae), Labcorp
Classification: Likely benign for Fanconi anemia. Last evaluated: 2023-10-13. Review status: criteria provided, single submitter. Criteria: Invitae Variant Classification Sherloc (09022015). Collection method: clinical testing. Allele origin: germline.

NM_020937.4(FANCM):c.114C>G (p.Ser38=)

Gene: FANCM (FA complementation group M; plus strand). Cytogenetic location: 14q21.2.
Variant type: single nucleotide variant.
Coding change: c.114C>G on transcript NM_020937.4 (MANE Select); coding-DNA position 114, C replaced by G.
Protein change: p.Ser38=; no amino-acid change (serine 38 retained).
Molecular consequence: synonymous variant.
Genome position (GRCh38, 1-based): chr14:45,136,145, C>G. VCF-style: chr14-45136145-C-G. GRCh37 (hg19) VCF-style: chr14-45605348-C-G.
Other names: c.114C>G, p.Ser38= (NM_001308133.2, NM_001308134.2); c.114C>G (NM_020937.3).
Identifiers: ClinVar variation 704180 (VCV000704180.49), dbSNP rs761652077, ClinGen allele CA7168700.